The following is an entry in ClinVar:

NM_000092.5(COL4A4):c.866G>A (p.Arg289His)

Gene: COL4A4 (collagen type IV alpha 4 chain; minus strand). Cytogenetic location: 2q36.3.
Variant type: single nucleotide variant.
Coding change: c.866G>A on transcript NM_000092.5 (MANE Select); coding-DNA position 866, G replaced by A.
Protein change: p.Arg289His; replaces arginine 289 with histidine.
Molecular consequence: missense variant.
Genome position (GRCh38, 1-based): chr2:227,103,148, C>T on the plus strand (G>A on the coding strand, the complement: COL4A4 is on the minus strand). VCF-style: chr2-227103148-C-T. GRCh37 (hg19) VCF-style: chr2-227967864-C-T.
Other names: short protein forms R289H.
Identifiers: ClinVar variation 2165861 (VCV002165861.8), dbSNP rs201724183, ClinGen allele CA2145401.
Genomic context (GRCh38, chr2:227,103,148, plus strand): 5'-AAGTTAAGATAGTACATCACACAAATGAAAAAAAAAAAGGTACTTAAATAAACTACCTTG[C>T]GTCCTGGTGGTCCTGGCAGTCCAACCATTCCAGGAATTCCTTTTATACCCTAAAAATTAC-3'
Protein context (NP_000083.3, residues 279-299): GMVGLPGPPG[Arg289His]KGESGIGAKG

ClinVar aggregate classification (germline): Conflicting classifications of pathogenicity. Review status: criteria provided, conflicting classifications (1 of 4 stars). 3 submissions from 3 submitters: Uncertain significance (2); Likely benign (1). Last evaluated 2026-01-19.

Allele frequency attached by ClinVar (database versions not stated): gnomAD exomes 0.00006; ExAC 0.00010; 1000 Genomes Project 0.00040; 1000 Genomes Project 30x 0.00047.
gnomAD v4.1: 98 of 1,609,750 alleles (0.0061%); highest among the groups gnomAD compares: Admixed American, 0.017%; no homozygotes.

Submissions (3):

Labcorp Genetics (formerly Invitae), Labcorp
Classification: Likely benign. Last evaluated: 2026-01-19. Review status: criteria provided, single submitter. Criteria: Invitae Variant Classification Sherloc (09022015). Collection method: clinical testing. Allele origin: germline.

Blueprint Genetics
Classification: Uncertain significance. Last evaluated: 2023-05-30. Review status: criteria provided, single submitter. Criteria: ACMG Guidelines, 2015. Collection method: clinical testing. Allele origin: germline.

GeneDx
Classification: Uncertain significance. Last evaluated: 2022-07-18. Review status: criteria provided, single submitter. Criteria: GeneDx Variant Classification Process June 2021. Collection method: clinical testing. Allele origin: germline. Affected: yes.
Comment: In silico analysis supports that this missense variant does not alter protein structure/function; Has not been previously published as pathogenic or benign to our knowledge